The following is an entry in ClinVar:

ClinVar aggregate classification (germline): Benign (1 of 4 stars; one submission).

Conditions:
Pseudohypoaldosteronism type 2E (PHA2E). Also called: Pseudohypoaldosteronism Type IIE. Identifiers: Orphanet 300530, Orphanet 757, MedGen C3469606, MONDO:0013782, OMIM 614496.

Allele frequency attached by ClinVar (database versions not stated): TOPMed 0.00003; gnomAD 0.00004 and 0.00007; gnomAD exomes 0.00012; 1000 Genomes Project 0.00040; 1000 Genomes Project 30x 0.00047.
gnomAD v4.1: 15 of 198,392 alleles (0.0076%); highest among the groups gnomAD compares: South Asian, 0.096%; no homozygotes.

Submission:

Illumina Laboratory Services, Illumina
Classification: Benign for Pseudohypoaldosteronism type 2E. Last evaluated: 2018-01-12. Review status: criteria provided, single submitter. Criteria: ICSL Variant Classification Criteria 13 December 2019. Collection method: clinical testing. Allele origin: germline.
Comment: This variant was observed in the ICSL laboratory as part of a predisposition screen in an ostensibly healthy population. It had not been previously curated by ICSL or reported in the Human Gene Mutation Database (HGMD: prior to June 1st, 2018), and was therefore a candidate for classification through an automated scoring system. Utilizing variant allele frequency, disease prevalence and penetrance estimates, and inheritance mode, an automated score was calculated to assess if this variant is too frequent to cause the disease. Based on the score and internal cut-off values, a variant classified as benign is not then subjected to further curation. The score for this variant resulted in a classification of benign for this disease.

NM_003590.5(CUL3):c.*2863T>G

Gene: CUL3 (cullin 3; minus strand). Cytogenetic location: 2q36.2.
Variant type: single nucleotide variant.
Coding change: c.*2863T>G on transcript NM_003590.5 (MANE Select); 2863 bases downstream of the stop codon, T replaced by G.
Molecular consequence: 3 prime UTR variant.
Genome position (GRCh38, 1-based): chr2:224,471,382, A>C on the plus strand (T>G on the coding strand, the complement: CUL3 is on the minus strand). VCF-style: chr2-224471382-A-C. GRCh37 (hg19) VCF-style: chr2-225336099-A-C.
Other names: c.*2863T>G (NM_001257197.2, NM_001257198.2).
Identifiers: ClinVar variation 334590 (VCV000334590.6), dbSNP rs536790634, ClinGen allele CA10612575.